The following is an entry in ClinVar:

NM_020066.5(FMN2):c.1803G>A (p.Trp601Ter)

Gene: FMN2 (formin 2; plus strand). Cytogenetic location: 1q43.
Variant type: single nucleotide variant.
Coding change: c.1803G>A on transcript NM_020066.5 (MANE Select); coding-DNA position 1803, G replaced by A.
Protein change: p.Trp601Ter; replaces tryptophan 601 with a stop codon.
Molecular consequence: nonsense.
Genome position (GRCh38, 1-based): chr1:240,177,941, G>A. VCF-style: chr1-240177941-G-A. GRCh37 (hg19) VCF-style: chr1-240341241-G-A.
Other names: c.1803G>A, p.Trp601Ter (NM_001305424.2, NM_001348094.2); short protein forms W601*.
Identifiers: ClinVar variation 3253156 (VCV003253156.2), dbSNP rs375865107.

ClinVar aggregate classification (germline): Likely pathogenic (1 of 4 stars; one submission).

Allele frequency attached by ClinVar (database versions not stated): TOPMed 0.00001; gnomAD 0.00002; ESP Exome Variant Server 0.00008.

Submission:

GeneDx
Classification: Likely pathogenic. Last evaluated: 2024-12-20. Review status: criteria provided, single submitter. Criteria: GeneDx Variant Classification Process June 2021. Collection method: clinical testing. Allele origin: germline.
Comment: Reported as heterozygous in one individual with non-syndromic intellectual disability (PMID: 25480035); Not observed at significant frequency in large population cohorts (gnomAD); Nonsense variant predicted to result in protein truncation or nonsense mediated decay in a gene for which loss of function is a known mechanism of disease; This variant is associated with the following publications: (PMID: 25480035)